The following is an entry in ClinVar:

NM_000179.3(MSH6):c.2162del (p.Arg721fs)

Gene: MSH6 (mutS homolog 6; plus strand). Cytogenetic location: 2p16.3.
Variant type: Deletion.
Coding change: c.2162del on transcript NM_000179.3 (MANE Select); coding-DNA position 2162, one base deleted (G; older notation c.2162delG).
Protein change: p.Arg721fs; shifts the reading frame from arginine 721.
Molecular consequence: frameshift variant. On other transcripts: non-coding transcript variant (5), intron variant (2).
Genome position (GRCh38, 1-based): chr2:47,800,145, G deleted. VCF-style (leftmost placement, unchanged base first): chr2-47800144-AG-A. GRCh37 (hg19) VCF-style: chr2-48027283-AG-A.
Other names: c.1772del, p.Arg591fs (NM_001281492.2); c.1256del, p.Arg419fs (NM_001281493.2, NM_001281494.2, NM_001406811.1 and 6 more transcripts); c.2258del, p.Arg753fs (NM_001406795.1, NM_001406802.1); c.2162del, p.Arg721fs (NM_001406796.1, NM_001406798.1, NM_001406800.1 and 3 more transcripts); c.1865del, p.Arg622fs (NM_001406797.1, NM_001406801.1, NM_001406805.1 and 10 more transcripts); c.1637del, p.Arg546fs (NM_001406799.1, NM_001406806.1, NM_001406807.1); c.2084del, p.Arg695fs (NM_001406804.1); c.2168del, p.Arg723fs (NM_001406813.1); and 3 more; short protein forms R546fs, R622fs, R591fs, R665fs, R695fs, R419fs, R753fs, R721fs.
Identifiers: ClinVar variation 2773646 (VCV002773646.2), dbSNP rs2530654265, ClinGen allele CA2697548114.

ClinVar aggregate classification (germline): Pathogenic (1 of 4 stars; one submission).

Conditions:
Hereditary cancer-predisposing syndrome. Also called: Hereditary neoplastic syndrome; Hereditary Cancer Syndrome; Neoplastic Syndromes, Hereditary; Tumor predisposition. Identifiers: Orphanet 140162, MedGen C0027672, MeSH D009386, MONDO:0015356.

Submission:

Color Diagnostics, LLC DBA Color Health
Classification: Pathogenic for Hereditary cancer-predisposing syndrome. Last evaluated: 2022-04-05. Review status: criteria provided, single submitter. Criteria: ACMG Guidelines, 2015. Collection method: clinical testing. Allele origin: germline.
Comment: This variant deletes 1 nucleotide in exon 4 of the MSH6 gene, creating a frameshift and premature translation stop signal. This variant is expected to result in an absent or non-functional protein product. To our knowledge, this variant has not been reported in individuals affected with hereditary cancer in the literature. This variant has not been identified in the general population by the Genome Aggregation Database (gnomAD). Loss of MSH6 function is a known mechanism of disease. Based on the available evidence, this variant is classified as Pathogenic.